The following is an entry in ClinVar:

ClinVar aggregate classification (germline): Uncertain significance (1 of 4 stars; one submission).

Conditions:
Cohen syndrome (COH1). Also called: PEPPER SYNDROME; Cutis verticis gyrata, retinitis pigmentosa, and sensorineural deafness. Identifiers: Orphanet 193, MedGen C0265223, MONDO:0008999, OMIM 216550.

Allele frequency attached by ClinVar (database versions not stated): gnomAD exomes below 0.00001.
gnomAD v4.1: 1 of 1,614,080 alleles (0.000062%); highest among the groups gnomAD compares: South Asian, 0.0011%; no homozygotes.

Submission:

Labcorp Genetics (formerly Invitae), Labcorp
Classification: Uncertain significance for Cohen syndrome. Last evaluated: 2022-06-27. Review status: criteria provided, single submitter. Criteria: Invitae Variant Classification Sherloc (09022015). Collection method: clinical testing. Allele origin: germline.
Comment: This sequence change replaces leucine, which is neutral and non-polar, with valine, which is neutral and non-polar, at codon 2981 of the VPS13B protein (p.Leu2981Val). This variant is not present in population databases (gnomAD no frequency). This variant has not been reported in the literature in individuals affected with VPS13B-related conditions. ClinVar contains an entry for this variant (Variation ID: 1036739). Algorithms developed to predict the effect of missense changes on protein structure and function are either unavailable or do not agree on the potential impact of this missense change (SIFT: "Not Available"; PolyPhen-2: "Benign"; Align-GVGD: "Not Available"). In summary, the available evidence is currently insufficient to determine the role of this variant in disease. Therefore, it has been classified as a Variant of Uncertain Significance.

NM_152564.5(VPS13B):c.8866T>G (p.Leu2956Val)

Gene: VPS13B (vacuolar protein sorting 13 homolog B; plus strand). Cytogenetic location: 8q22.2.
Variant type: single nucleotide variant.
Coding change: c.8866T>G on transcript NM_152564.5 (MANE Select); coding-DNA position 8866, T replaced by G.
Protein change: p.Leu2956Val; replaces leucine 2956 with valine.
Molecular consequence: missense variant.
Genome position (GRCh38, 1-based): chr8:99,819,994, T>G. VCF-style: chr8-99819994-T-G. GRCh37 (hg19) VCF-style: chr8-100832222-T-G.
Other names: c.8941T>G, p.Leu2981Val (NM_017890.5); short protein forms L2956V, L2981V.
Identifiers: ClinVar variation 1036739 (VCV001036739.8), dbSNP rs1814273513, ClinGen allele CA371777049.